The following is an entry in ClinVar:

NM_001318852.2(MAPK8IP3):c.2956G>A (p.Ala986Thr)

Gene: MAPK8IP3 (mitogen-activated protein kinase 8 interacting protein 3; plus strand). Cytogenetic location: 16p13.3.
Variant type: single nucleotide variant.
Coding change: c.2956G>A on transcript NM_001318852.2 (MANE Select); coding-DNA position 2956, G replaced by A.
Protein change: p.Ala986Thr; replaces alanine 986 with threonine.
Molecular consequence: missense variant.
Genome position (GRCh38, 1-based): chr16:1,766,739, G>A. VCF-style: chr16-1766739-G-A. GRCh37 (hg19) VCF-style: chr16-1816740-G-A.
Other names: c.2935G>A, p.Ala979Thr (NM_001040439.2); c.2953G>A, p.Ala985Thr (NM_015133.5); short protein forms A979T, A985T, A986T.
Identifiers: ClinVar variation 3345291 (VCV003345291.1).

ClinVar aggregate classification (germline): Uncertain significance (0 of 4 stars; one submission).

Conditions:
MAPK8IP3-related disorder. Also called: MAPK8IP3-related condition.

Submission:

PreventionGenetics, part of Exact Sciences
Classification: Uncertain significance for MAPK8IP3-related condition. Last evaluated: 2024-06-27. Review status: no assertion criteria provided. Collection method: clinical testing. Allele origin: germline.
Comment: The MAPK8IP3 c.2956G>A variant is predicted to result in the amino acid substitution p.Ala986Thr. To our knowledge, this variant has not been reported in the literature or in a large population database, indicating this variant is rare. At this time, the clinical significance of this variant is uncertain due to the absence of conclusive functional and genetic evidence.